The following is an entry in ClinVar:

NM_021930.6(RINT1):c.136G>C (p.Gly46Arg)

Gene: RINT1 (RAD50 interactor 1; plus strand). Cytogenetic location: 7q22.3.
Variant type: single nucleotide variant.
Coding change: c.136G>C on transcript NM_021930.6 (MANE Select); coding-DNA position 136, G replaced by C.
Protein change: p.Gly46Arg; replaces glycine 46 with arginine.
Molecular consequence: missense variant. On other transcripts: 5 prime UTR variant (3), non-coding transcript variant (1).
Genome position (GRCh38, 1-based): chr7:105,536,612, G>C. VCF-style: chr7-105536612-G-C. GRCh37 (hg19) VCF-style: chr7-105177059-G-C.
Other names: c.39G>C, p.Lys13Asn (NM_001346599.2); c.-884G>C (NM_001346600.2); c.-787G>C (NM_001346601.2); c.-407G>C (NM_001346603.2); short protein forms G46R, K13N.
Identifiers: ClinVar variation 2722682 (VCV002722682.3), dbSNP rs1440610951, ClinGen allele CA368800119.

ClinVar aggregate classification (germline): Uncertain significance (1 of 4 stars; one submission).

Submission:

Labcorp Genetics (formerly Invitae), Labcorp
Classification: Uncertain significance. Last evaluated: 2023-08-04. Review status: criteria provided, single submitter. Criteria: Invitae Variant Classification Sherloc (09022015). Collection method: clinical testing. Allele origin: germline.
Comment: This sequence change replaces glycine, which is neutral and non-polar, with arginine, which is basic and polar, at codon 46 of the RINT1 protein (p.Gly46Arg). This variant is not present in population databases (gnomAD no frequency). This variant has not been reported in the literature in individuals affected with RINT1-related conditions. An algorithm developed to predict the effect of missense changes on protein structure and function (PolyPhen-2) suggests that this variant is likely to be tolerated. In summary, the available evidence is currently insufficient to determine the role of this variant in disease. Therefore, it has been classified as a Variant of Uncertain Significance.